The following is an entry in ClinVar:

ClinVar aggregate classification (germline): Conflicting classifications of pathogenicity. Review status: criteria provided, conflicting classifications (1 of 4 stars). 11 submissions from 11 submitters: Uncertain significance (6); Benign (1); Likely benign (1). 3 of the submissions do not count toward it. Last evaluated 2026-01-15.

Conditions:
Hereditary cancer-predisposing syndrome. Also called: Neoplastic Syndromes, Hereditary; Tumor predisposition; Hereditary neoplastic syndrome; Hereditary Cancer Syndrome. Identifiers: Orphanet 140162, MedGen C0027672, MeSH D009386, MONDO:0015356.
Hereditary breast ovarian cancer syndrome. Also called: Hereditary breast and ovarian cancer syndrome; Hereditary breast and ovarian cancer; Hereditary breast and ovarian cancer syndrome (HBOC); Breast and ovarian cancer; Hereditary breast and/or ovarian cancer syndrome; BRCA1- and BRCA2-Associated Hereditary Breast and Ovarian Cancer. Identifiers: Orphanet 145, MedGen C0677776, MeSH D061325, MONDO:0003582. Disease mechanism: loss of function.
Endometrial carcinoma. Also called: Endometrial carcinoma, somatic. Identifiers: MedGen C0476089, MONDO:0002447, OMIM 608089, HP:0012114.
Breast-ovarian cancer, familial, susceptibility to, 2 (BROVCA2). Also called: BRCA2 Hereditary Breast and Ovarian Cancer. Identifiers: Orphanet 145, MedGen C2675520, MONDO:0012933, OMIM 612555. Disease mechanism: loss of function.

Allele frequency attached by ClinVar (database versions not stated): gnomAD 0.00001; gnomAD exomes 0.00001 and 0.00003; ExAC 0.00005; 1000 Genomes Project 0.00020; 1000 Genomes Project 30x 0.00031.
gnomAD v4.1: 22 of 1,613,956 alleles (0.0014%); highest among the groups gnomAD compares: South Asian, 0.024%; no homozygotes.

Submissions (11):

Labcorp Genetics (formerly Invitae), Labcorp
Classification: Uncertain significance for Hereditary breast ovarian cancer syndrome. Last evaluated: 2026-01-15. Review status: criteria provided, single submitter. Criteria: Invitae Variant Classification Sherloc (09022015). Collection method: clinical testing. Allele origin: germline.
Comment: This sequence change replaces lysine, which is basic and polar, with threonine, which is neutral and polar, at codon 2434 of the BRCA2 protein (p.Lys2434Thr). This variant is present in population databases (rs80358954, gnomAD 0.03%). This missense change has been observed in individual(s) with personal and/or family history of breast and/or ovarian cancer (PMID: 24448499, 25036526, 26689913, 27495310, 29470806, 30555256, 35402282). ClinVar contains an entry for this variant (Variation ID: 52304). Invitae Evidence Modeling of protein sequence and biophysical properties (such as structural, functional, and spatial information, amino acid conservation, physicochemical variation, residue mobility, and thermodynamic stability) indicates that this missense variant is not expected to disrupt BRCA2 protein function with a negative predictive value of 95%. In summary, the available evidence is currently insufficient to determine the role of this variant in disease. Therefore, it has been classified as a Variant of Uncertain Significance.

Institute for Biomarker Research, Medical Diagnostic Laboratories, L.L.C.
Classification: Uncertain significance for Hereditary breast ovarian cancer syndrome. Last evaluated: 2025-08-11. Review status: criteria provided, single submitter. Criteria: ACMG Guidelines, 2015. Collection method: clinical testing. Allele origin: germline.
Comment: The missense variant NM_000059.4(BRCA2):c.7301A>C (p.Lys2434Thr) has not been reported previously as a pathogenic variant , to our knowledge. There is a moderate physicochemical difference between lysine and threonine. The gene BRCA2 has a low rate of benign missense variation as indicated by a high missense variants Z-Score of 1.00. The gene BRCA2 contains 150 pathogenic missense variants, indicating that missense variants are a common mechanism of disease in this gene. For these reasons, this variant has been classified as Uncertain Significance

Quest Diagnostics Nichols Institute San Juan Capistrano
Classification: Uncertain significance. Last evaluated: 2025-07-08. Review status: criteria provided, single submitter. Criteria: Quest Diagnostics criteria. Collection method: clinical testing. Allele origin: unknown.
Comment: The BRCA2 c.7301A>C (p.Lys2434Thr) variant has been reported in the published literature in individuals with a personal or family history of breast and/or ovarian cancer (PMIDs: 24448499 (2014), 25036526 (2014), 26689913 (2015), 27495310 (2016), 29470806 (2018), and 30555256 (2018)). The frequency of this variant in the general population (Genome Aggregation Database) is uninformative in the assessment of its pathogenicity. Analysis of this variant using bioinformatics tools for the prediction of the effect of amino acid changes on protein structure and function yielded predictions that this variant is benign. Based on the available information, we are unable to determine the clinical significance of this variant.

ARUP Laboratories, Molecular Genetics and Genomics, ARUP Laboratories
Classification: Benign. Last evaluated: 2025-05-15. Review status: criteria provided, single submitter. Criteria: ARUP Molecular Germline Variant Investigation Process 2024. Collection method: clinical testing. Allele origin: germline.

GeneDx
Classification: Uncertain significance. Last evaluated: 2024-08-06. Review status: criteria provided, single submitter. Criteria: GeneDx Variant Classification Process June 2021. Collection method: clinical testing. Allele origin: germline. Affected: yes.
Comment: In silico analysis indicates that this missense variant does not alter protein structure/function; Also known as 7529A>C; This variant is associated with the following publications: (PMID: 25036526, 24448499, 26689913, 29470806, 27495310, 30555256, 32377563, 29884841, 35402282)

All of Us Research Program, National Institutes of Health
Classification: Uncertain significance for Breast-ovarian cancer, familial, susceptibility to, 2. Last evaluated: 2023-09-17. Review status: criteria provided, single submitter. Criteria: ACMG Guidelines, 2015. Collection method: clinical testing. Allele origin: germline. Inheritance: Autosomal dominant inheritance. Observed: 1 variant allele, 1 heterozygote.
Comment: This missense variant replaces lysine with threonine at codon 2434 of the BRCA2 protein. Computational prediction suggests that this variant may not impact protein structure and function (internally defined REVEL score threshold <= 0.5, PMID: 27666373). To our knowledge, functional studies have not been reported for this variant. This variant has been reported in individuals affected with breast and/or ovarian cancer (PMID: 24448499, 25036526, 27495310, 29470806, 30555256, 35402282). This variant has also been identified in 8/251234 chromosomes in the general population by the Genome Aggregation Database (gnomAD). The available evidence is insufficient to determine the role of this variant in disease conclusively. Therefore, this variant is classified as a Variant of Uncertain Significance.

This study involves interpretation of variants in research participants for the purpose of population health screening. Participant phenotype was not available at the time of variant classification. Additional details can be found in publication PMID: 35346344, PMCID: PMC8962531

Ambry Genetics
Classification: Likely benign for Hereditary cancer-predisposing syndrome. Last evaluated: 2023-07-12. Review status: criteria provided, single submitter. Criteria: Ambry Variant Classification Scheme 2023. Collection method: clinical testing. Allele origin: germline.

Color Diagnostics, LLC DBA Color Health
Classification: Uncertain significance for Hereditary cancer-predisposing syndrome. Last evaluated: 2023-03-02. Review status: criteria provided, single submitter. Criteria: ACMG Guidelines, 2015. Collection method: clinical testing. Allele origin: germline.
Comment: This missense variant replaces lysine with threonine at codon 2434 of the BRCA2 protein. Computational prediction suggests that this variant may not impact protein structure and function (internally defined REVEL score threshold <= 0.5, PMID: 27666373). To our knowledge, functional studies have not been reported for this variant. This variant has been reported in individuals affected with breast and/or ovarian cancer (PMID: 24448499, 25036526, 27495310, 29470806, 30555256, 35402282). This variant has also been identified in 8/251234 chromosomes in the general population by the Genome Aggregation Database (gnomAD). The available evidence is insufficient to determine the role of this variant in disease conclusively. Therefore, this variant is classified as a Variant of Uncertain Significance.

Department of Medical Genetics, University Hospital of North Norway
Classification: Uncertain significance for Breast-ovarian cancer, familial, susceptibility to, 2. Last evaluated: 2016-05-01. Review status: no assertion criteria provided. Collection method: clinical testing. Allele origin: germline. Affected: yes. Observed: 1 variant allele. Not counted in ClinVar's aggregate classification.

Breast Cancer Information Core (BIC) (BRCA2)
Classification: Uncertain significance for Breast-ovarian cancer, familial 2. Last evaluated: 2004-02-20. Review status: no assertion criteria provided. Collection method: clinical testing. Allele origin: germline. Affected: yes. Observed: 2 variant alleles. Not counted in ClinVar's aggregate classification.

Department of Pathology and Laboratory Medicine, Sinai Health System
Classification: Uncertain significance for Endometrial carcinoma. Review status: no assertion criteria provided. Collection method: clinical testing. Allele origin: unknown. Affected: yes. Study: The Canadian Open Genetics Repository (COGR). Not counted in ClinVar's aggregate classification.
Comment: The BRCA2 p.Lys2434Thr variant was identified in 1 of 858 proband chromosomes (frequency: 0.001) from individuals or families with ovarian cancer and was not identified in 1114 control chromosomes from healthy individuals (Kanchi 2014). The variant was also identified in dbSNP (ID: rs80358954) as â€šÃ„ÃºWith Uncertain significance alleleâ€šÃ„Ã¹, ClinVar (4x as uncertain significance by GeneDx, Ambry Genetics, BIC, University Hospital of Norway). The variant was not identified in LOVD 3.0 or UMD-LSDB. The variant was identified in control databases in 8 of 246012 chromosomes at a frequency of 0.000033 (Genome Aggregation Database Feb 27, 2017). The variant was observed in the following populations: and South Asian in 8 of 30780 chromosomes (freq: 0.00026), it was not observed in the African, Other, Latino, European Non-Finnish, Ashkenazi Jewish, East Asian or European Finnish populations. The p.Lys2434Thr residue is not conserved in mammals and four out of five computational analyses (PolyPhen-2, SIFT, AlignGVGD, BLOSUM, MutationTaster) do not suggest a high likelihood of impact to the protein; however, this information is not predictive enough to rule out pathogenicity. The variant occurs outside of the splicing consensus sequence and in silico or computational prediction software programs (SpliceSiteFinder, MaxEntScan, NNSPLICE, GeneSplicer) do not predict a difference in splicing. In summary, based on the above information the clinical significance of this variant cannot be determined with certainty at this time. This variant is classified as a variant of uncertain significance.

Literature cited by the submitters: PubMed 24448499 (cited by 5 submitters); PubMed 25036526 (cited by 5 submitters); PubMed 26689913 (cited by 3 submitters); PubMed 27495310 (cited by 6 submitters); PubMed 29470806 (cited by 5 submitters); PubMed 30555256 (cited by 5 submitters); PubMed 35402282 (cited by 3 submitters).

NM_000059.4(BRCA2):c.7301A>C (p.Lys2434Thr)

Gene: BRCA2 (BRCA2 DNA repair associated; plus strand). Cytogenetic location: 13q13.1.
Variant type: single nucleotide variant.
Coding change: c.7301A>C on transcript NM_000059.4 (MANE Select); coding-DNA position 7301, A replaced by C.
Protein change: p.Lys2434Thr; replaces lysine 2434 with threonine.
Molecular consequence: missense variant.
Genome position (GRCh38, 1-based): chr13:32,355,154, A>C. VCF-style: chr13-32355154-A-C. GRCh37 (hg19) VCF-style: chr13-32929291-A-C.
Other names: p.K2434T:AAG>ACG; short protein forms K2434T.
Identifiers: ClinVar variation 52304 (VCV000052304.28), dbSNP rs80358954, ClinGen allele CA025018.